The following is an entry in ClinVar:

NM_014319.5(LEMD3):c.919G>A (p.Glu307Lys)

Gene: LEMD3 (LEM domain containing 3; plus strand). Cytogenetic location: 12q14.3.
Variant type: single nucleotide variant.
Coding change: c.919G>A on transcript NM_014319.5 (MANE Select); coding-DNA position 919, G replaced by A.
Protein change: p.Glu307Lys; replaces glutamic acid 307 with lysine.
Molecular consequence: missense variant.
Genome position (GRCh38, 1-based): chr12:65,170,515, G>A. VCF-style: chr12-65170515-G-A. GRCh37 (hg19) VCF-style: chr12-65564295-G-A.
Other names: c.919G>A, p.Glu307Lys (NM_001167614.2); short protein forms E307K.
Identifiers: ClinVar variation 4740578 (VCV004740578.1).

ClinVar aggregate classification (germline): Uncertain significance (1 of 4 stars; one submission).

Submission:

Labcorp Genetics (formerly Invitae), Labcorp
Classification: Uncertain significance. Last evaluated: 2025-02-18. Review status: criteria provided, single submitter. Criteria: Invitae Variant Classification Sherloc (09022015). Collection method: clinical testing. Allele origin: germline.
Comment: This sequence change replaces glutamic acid, which is acidic and polar, with lysine, which is basic and polar, at codon 307 of the LEMD3 protein (p.Glu307Lys). This variant is not present in population databases (gnomAD no frequency). This variant has not been reported in the literature in individuals affected with LEMD3-related conditions. Invitae Evidence Modeling of protein sequence and biophysical properties (such as structural, functional, and spatial information, amino acid conservation, physicochemical variation, residue mobility, and thermodynamic stability) indicates that this missense variant is not expected to disrupt LEMD3 protein function with a negative predictive value of 80%. In summary, the available evidence is currently insufficient to determine the role of this variant in disease. Therefore, it has been classified as a Variant of Uncertain Significance.